The following is an entry in ClinVar:

ClinVar aggregate classification (germline): Uncertain significance. Review status: criteria provided, multiple submitters, no conflicts (2 of 4 stars). 2 submissions from 2 submitters: Uncertain significance (2). Last evaluated 2025-03-15.

Conditions:
Adams-Oliver syndrome 5 (AOS5). Identifiers: Orphanet 974, MedGen C4014970, MONDO:0014459, OMIM 616028.
Familial thoracic aortic aneurysm and aortic dissection (TAAD). Also called: Thoracic aortic aneurysms and dissections. Identifiers: Orphanet 91387, MedGen C4707243, MONDO:0019625.

Submissions (2):

Labcorp Genetics (formerly Invitae), Labcorp
Classification: Uncertain significance for Adams-Oliver syndrome 5. Last evaluated: 2025-03-15. Review status: criteria provided, single submitter. Criteria: Invitae Variant Classification Sherloc (09022015). Collection method: clinical testing. Allele origin: germline.
Comment: This sequence change replaces leucine, which is neutral and non-polar, with valine, which is neutral and non-polar, at codon 818 of the NOTCH1 protein (p.Leu818Val). This variant is not present in population databases (gnomAD no frequency). This variant has not been reported in the literature in individuals affected with NOTCH1-related conditions. ClinVar contains an entry for this variant (Variation ID: 1461094). Invitae Evidence Modeling of protein sequence and biophysical properties (such as structural, functional, and spatial information, amino acid conservation, physicochemical variation, residue mobility, and thermodynamic stability) indicates that this missense variant is not expected to disrupt NOTCH1 protein function with a negative predictive value of 95%. In summary, the available evidence is currently insufficient to determine the role of this variant in disease. Therefore, it has been classified as a Variant of Uncertain Significance.

Ambry Genetics
Classification: Uncertain significance for Familial thoracic aortic aneurysm and aortic dissection. Last evaluated: 2025-02-20. Review status: criteria provided, single submitter. Criteria: Ambry Variant Classification Scheme 2023. Collection method: clinical testing. Allele origin: germline.

NM_017617.5(NOTCH1):c.2452C>G (p.Leu818Val)

Gene: NOTCH1 (notch receptor 1; minus strand). Cytogenetic location: 9q34.3.
Variant type: single nucleotide variant.
Coding change: c.2452C>G on transcript NM_017617.5 (MANE Select); coding-DNA position 2452, C replaced by G.
Protein change: p.Leu818Val; replaces leucine 818 with valine.
Molecular consequence: missense variant.
Genome position (GRCh38, 1-based): chr9:136,513,036, G>C on the plus strand (C>G on the coding strand, the complement: NOTCH1 is on the minus strand). VCF-style: chr9-136513036-G-C. GRCh37 (hg19) VCF-style: chr9-139407488-G-C.
Other names: c.2452C>G (NM_017617.3); short protein forms L818V.
Identifiers: ClinVar variation 1461094 (VCV001461094.9), dbSNP rs199841979, ClinGen allele CA201585009.
Genomic context (GRCh38, chr9:136,513,036, plus strand): 5'-ACATAGGCCCCGCCCCCTCCAGCACAGGCCCCACCCACCCCTCACCTGTGTAGGGCAGCA[G>C]GCAGTTGCACTTGTACCCGGCAACGTCGTCAATACACGTGCCCTGGTTCAGACATGGGTT-3'
Protein context (NP_060087.3, residues 808-828): DDVAGYKCNC[Leu818Val]LPYTGATCEV